The following is an entry in ClinVar:

NM_000170.3(GLDC):c.1261+3del

Gene: GLDC (glycine decarboxylase; minus strand). Cytogenetic location: 9p24.1.
Variant type: Deletion.
Coding change: c.1261+3del on transcript NM_000170.3 (MANE Select); 3 bases into the intron after coding-DNA position 1261, one base deleted (G; older notation c.1261+3delG).
Molecular consequence: intron variant.
Genome position (GRCh38, 1-based): chr9:6,595,011, C deleted on the plus strand (G on the coding strand, the reverse complement: GLDC is on the minus strand). VCF-style (leftmost placement, unchanged base first): chr9-6595010-TC-T. GRCh37 (hg19) VCF-style: chr9-6595010-TC-T.
Identifiers: ClinVar variation 4082249 (VCV004082249.1).

ClinVar aggregate classification (germline): Uncertain significance (1 of 4 stars; one submission).

Conditions:
Glycine encephalopathy 1 (GCE1). Identifiers: MedGen CN376801, MONDO:0958179, OMIM 605899.

Submission:

Kasturba Medical College, Manipal, Kasturba Medical College, Manipal, Manipal Academy of Higher Education, Manipal, India
Classification: Uncertain significance for Glycine encephalopathy 1. Review status: criteria provided, single submitter. Criteria: ACMG Guidelines, 2015. Collection method: research. Allele origin: maternal. Inheritance: Autosomal recessive inheritance. Affected: yes. Observed: 1 heterozygote.
Comment: Validation of the variant and segregation analysis was performed using Sanger sequencing in the proband and the parents. The variant is absent from the gnomAD population database (v4.1) and our in-house dataset of 3,775 exomes. In-silico prediction (SpliceAI) suggests that the variant is likely resulting in aberrant splicing leading to altered transcripts that may result in either formation of a truncated protein product or trigger nonsense-mediated mRNA decay.